The following is an entry in ClinVar:

NM_022437.3(ABCG8):c.1303T>C (p.Tyr435His)

Gene: ABCG8 (ATP binding cassette subfamily G member 8; plus strand). Cytogenetic location: 2p21.
Variant type: single nucleotide variant.
Coding change: c.1303T>C on transcript NM_022437.3 (MANE Select); coding-DNA position 1303, T replaced by C.
Protein change: p.Tyr435His; replaces tyrosine 435 with histidine.
Molecular consequence: missense variant.
Genome position (GRCh38, 1-based): chr2:43,873,878, T>C. VCF-style: chr2-43873878-T-C. GRCh37 (hg19) VCF-style: chr2-44101017-T-C.
Other names: c.1300T>C, p.Tyr434His (NM_001357321.2); short protein forms Y435H, Y434H.
Identifiers: ClinVar variation 4150918 (VCV004150918.1).
Genomic context (GRCh38, chr2:43,873,878, plus strand): 5'-CCCACCCTCCTCATCCATGGGGCGGAGGCCTGTCTGATGTCAATGACCATCGGCTTCCTC[T>C]ATTTTGGCCATGGGAGCATCCAGCTCTCCTTCATGGATACAGCCGCCCTCTTGTTCATGA-3'
Protein context (NP_071882.1, residues 425-445): CLMSMTIGFL[Tyr435His]FGHGSIQLSF

ClinVar aggregate classification (germline): Uncertain significance (1 of 4 stars; one submission).

Conditions:
Cardiovascular phenotype. Identifiers: MedGen CN230736.

Submission:

Ambry Genetics
Classification: Uncertain significance for Cardiovascular phenotype. Last evaluated: 2025-08-09. Review status: criteria provided, single submitter. Criteria: Ambry Variant Classification Scheme 2023. Collection method: clinical testing. Allele origin: germline.
Comment: The p.Y435H variant (also known as c.1303T>C), located in coding exon 9 of the ABCG8 gene, results from a T to C substitution at nucleotide position 1303. The tyrosine at codon 435 is replaced by histidine, an amino acid with similar properties. This amino acid position is conserved. In addition, the in silico prediction for this alteration is inconclusive. Based on the available evidence, the clinical significance of this variant remains unclear.